The following is an entry in ClinVar:

ClinVar aggregate classification (germline): Uncertain significance (1 of 4 stars; one submission).

Conditions:
TNXB-related disorder. Also called: TNXB-related condition.

Allele frequency attached by ClinVar (database versions not stated): ExAC 0.00001; gnomAD exomes 0.00001; gnomAD 0.00003.
gnomAD v4.1: 22 of 1,613,746 alleles (0.0014%); highest among the groups gnomAD compares: Admixed American, 0.005%; no homozygotes.

Submission:

PreventionGenetics, part of Exact Sciences
Classification: Uncertain significance for TNXB-related condition. Last evaluated: 2023-05-25. Review status: criteria provided, single submitter. Criteria: ACMG Guidelines, 2015. Collection method: clinical testing. Allele origin: germline.
Comment: The TNXB c.4210G>A variant is predicted to result in the amino acid substitution p.Val1404Met. To our knowledge, this variant has not been reported in the literature. This variant is reported in 0.00090% of alleles in individuals of European (Non-Finnish) descent in gnomAD. At this time, the clinical significance of this variant is uncertain due to the absence of conclusive functional and genetic evidence.

NM_001365276.2(TNXB):c.4210G>A (p.Val1404Met)

Gene: TNXB (tenascin XB; minus strand). Cytogenetic location: 6p21.33.
Variant type: single nucleotide variant.
Coding change: c.4210G>A on transcript NM_001365276.2 (MANE Select); coding-DNA position 4210, G replaced by A.
Protein change: p.Val1404Met; replaces valine 1404 with methionine.
Molecular consequence: missense variant.
Genome position (GRCh38, 1-based): chr6:32,079,198, C>T on the plus strand (G>A on the coding strand, the complement: TNXB is on the minus strand). VCF-style: chr6-32079198-C-T. GRCh37 (hg19) VCF-style: chr6-32046975-C-T.
Other names: c.4210G>A, p.Val1404Met (NM_019105.8); short protein forms V1404M.
Identifiers: ClinVar variation 2629889 (VCV002629889.1), dbSNP rs766110850, ClinGen allele CA3735007.